The following is an entry in ClinVar:

ClinVar aggregate classification (germline): Conflicting classifications of pathogenicity. Review status: criteria provided, conflicting classifications (1 of 4 stars). 3 submissions from 3 submitters: Uncertain significance (1); Likely benign (1). 1 of the submissions does not count toward it. Last evaluated 2023-03-23.

Conditions:
Breast-ovarian cancer, familial, susceptibility to, 2 (BROVCA2). Also called: BRCA2 Hereditary Breast and Ovarian Cancer. Identifiers: Orphanet 145, MedGen C2675520, MONDO:0012933, OMIM 612555. Disease mechanism: loss of function.
Hereditary cancer-predisposing syndrome. Also called: Neoplastic Syndromes, Hereditary; Tumor predisposition; Hereditary Cancer Syndrome; Hereditary neoplastic syndrome. Identifiers: Orphanet 140162, MedGen C0027672, MeSH D009386, MONDO:0015356.

Submissions (3):

University of Washington Department of Laboratory Medicine, University of Washington
Classification: Likely benign for Hereditary cancer-predisposing syndrome. Last evaluated: 2023-03-23. Review status: criteria provided, single submitter. Criteria: Dines et al. (Genet Med. 2020). Collection method: curation. Allele origin: germline.
Comment: Missense variant in a coldspot region where missense variants are very unlikely to be pathogenic (PMID:31911673).

BRCA2 exon 11 coldspot. Reclassification based on statistical prior probability.

Color Diagnostics, LLC DBA Color Health
Classification: Uncertain significance for Hereditary cancer-predisposing syndrome. Last evaluated: 2019-05-30. Review status: criteria provided, single submitter. Criteria: ACMG Guidelines, 2015. Collection method: clinical testing. Allele origin: germline.

Breast Cancer Information Core (BIC) (BRCA2)
Classification: Uncertain significance for Breast-ovarian cancer, familial 2. Last evaluated: 2002-05-29. Review status: no assertion criteria provided. Collection method: clinical testing. Allele origin: germline. Affected: yes. Observed: 1 variant allele. Not counted in ClinVar's aggregate classification.

NM_000059.4(BRCA2):c.3092T>C (p.Phe1031Ser)

Gene: BRCA2 (BRCA2 DNA repair associated; plus strand). Cytogenetic location: 13q13.1.
Variant type: single nucleotide variant.
Coding change: c.3092T>C on transcript NM_000059.4 (MANE Select); coding-DNA position 3092, T replaced by C.
Protein change: p.Phe1031Ser; replaces phenylalanine 1031 with serine.
Molecular consequence: missense variant.
Genome position (GRCh38, 1-based): chr13:32,337,447, T>C. VCF-style: chr13-32337447-T-C. GRCh37 (hg19) VCF-style: chr13-32911584-T-C.
Other names: short protein forms F1031S.
Identifiers: ClinVar variation 51398 (VCV000051398.6), dbSNP rs80358555, ClinGen allele CA017224.